The following is an entry in ClinVar:

ClinVar aggregate classification (germline): Uncertain significance (1 of 4 stars; one submission).

Submission:

Labcorp Genetics (formerly Invitae), Labcorp
Classification: Uncertain significance. Last evaluated: 2025-12-18. Review status: criteria provided, single submitter. Criteria: Invitae Variant Classification Sherloc (09022015). Collection method: clinical testing. Allele origin: germline.
Comment: This sequence change replaces glutamine, which is neutral and polar, with arginine, which is basic and polar, at codon 629 of the ZMIZ1 protein (p.Gln629Arg). This variant is not present in population databases (gnomAD no frequency). This variant has not been reported in the literature in individuals affected with ZMIZ1-related conditions. Invitae Evidence Modeling of protein sequence and biophysical properties (such as structural, functional, and spatial information, amino acid conservation, physicochemical variation, residue mobility, and thermodynamic stability) has been performed for this missense variant. However, the output from this modeling did not meet the statistical confidence thresholds required to predict the impact of this variant on ZMIZ1 protein function. In summary, the available evidence is currently insufficient to determine the role of this variant in disease. Therefore, it has been classified as a Variant of Uncertain Significance.

NM_020338.4(ZMIZ1):c.1886A>G (p.Gln629Arg)

Gene: ZMIZ1 (zinc finger MIZ-type containing 1; plus strand). Cytogenetic location: 10q22.3.
Variant type: single nucleotide variant.
Coding change: c.1886A>G on transcript NM_020338.4 (MANE Select); coding-DNA position 1886, A replaced by G.
Protein change: p.Gln629Arg; replaces glutamine 629 with arginine.
Molecular consequence: missense variant.
Genome position (GRCh38, 1-based): chr10:79,300,809, A>G. VCF-style: chr10-79300809-A-G. GRCh37 (hg19) VCF-style: chr10-81060566-A-G.
Other names: short protein forms Q629R.
Identifiers: ClinVar variation 4747536 (VCV004747536.1).